The following is an entry in ClinVar:

ClinVar aggregate classification (germline): Uncertain significance. Review status: criteria provided, multiple submitters, no conflicts (2 of 4 stars). 4 submissions from 4 submitters: Uncertain significance (4). Last evaluated 2024-09-30.

Conditions:
Ornithine aminotransferase deficiency (GACR). Also called: HYPERORNITHINEMIA WITH GYRATE ATROPHY OF CHOROID AND RETINA; OAT DEFICIENCY; OKT DEFICIENCY; Ornithine ketoacid aminotransferase deficiency; Gyrate atrophy; Gyrate atrophy of choroid and retina. Identifiers: Orphanet 414, MedGen C0018425, MONDO:0009796, OMIM 258870.
Inborn genetic diseases. Identifiers: MedGen C0950123, MeSH D030342.

Allele frequency attached by ClinVar (database versions not stated): gnomAD exomes below 0.00001 and 0.00001; TOPMed below 0.00001; gnomAD 0.00001; ExAC 0.00002; ESP Exome Variant Server 0.00008.
gnomAD v4.1: 19 of 1,614,062 alleles (0.0012%); highest among the groups gnomAD compares: Non-Finnish European, 0.0016%; no homozygotes.

Submissions (4):

Women's Health and Genetics/Laboratory Corporation of America, LabCorp
Classification: Uncertain significance. Last evaluated: 2024-09-30. Review status: criteria provided, single submitter. Criteria: LabCorp Variant Classification Summary - May 2015. Collection method: clinical testing. Allele origin: germline.
Comment: Variant summary: OAT c.1208T>C (p.Leu403Pro) results in a non-conservative amino acid change in the encoded protein sequence. Five of five in-silico tools predict a damaging effect of the variant on protein function. The variant allele was found at a frequency of 4e-06 in 251152 control chromosomes. The available data on variant occurrences in the general population are insufficient to allow any conclusion about variant significance. c.1208T>C has been reported in the literature in individuals affected with Gyrate Atrophy (Palmer_2023). These report(s) do not provide unequivocal conclusions about association of the variant with Ornithine Aminotransferase Deficiency. To our knowledge, no experimental evidence demonstrating an impact on protein function has been reported. The following publication have been ascertained in the context of this evaluation (PMID: 37667371). ClinVar contains an entry for this variant (Variation ID: 1411429). Based on the evidence outlined above, the variant was classified as uncertain significance.

Ambry Genetics
Classification: Uncertain significance for Inborn genetic diseases. Last evaluated: 2023-02-16. Review status: criteria provided, single submitter. Criteria: Ambry Variant Classification Scheme 2023. Collection method: clinical testing. Allele origin: germline.

Labcorp Genetics (formerly Invitae), Labcorp
Classification: Uncertain significance for Ornithine aminotransferase deficiency. Last evaluated: 2022-10-04. Review status: criteria provided, single submitter. Criteria: Invitae Variant Classification Sherloc (09022015). Collection method: clinical testing. Allele origin: germline.
Comment: This sequence change replaces leucine, which is neutral and non-polar, with proline, which is neutral and non-polar, at codon 403 of the OAT protein (p.Leu403Pro). This variant is present in population databases (rs141737170, gnomAD 0.002%). This variant has not been reported in the literature in individuals affected with OAT-related conditions. ClinVar contains an entry for this variant (Variation ID: 1411429). Advanced modeling of protein sequence and biophysical properties (such as structural, functional, and spatial information, amino acid conservation, physicochemical variation, residue mobility, and thermodynamic stability) performed at Invitae indicates that this missense variant is expected to disrupt OAT protein function. In summary, the available evidence is currently insufficient to determine the role of this variant in disease. Therefore, it has been classified as a Variant of Uncertain Significance.

Blueprint Genetics
Classification: Uncertain significance. Last evaluated: 2021-07-12. Review status: criteria provided, single submitter. Criteria: ACMG Guidelines, 2015. Collection method: clinical testing. Allele origin: germline.

Literature cited by the submitters: PubMed 37667371 (cited by Women's Health and Genetics/Laboratory Corporation of America, LabCorp).

NM_000274.4(OAT):c.1208T>C (p.Leu403Pro)

Gene: OAT (ornithine aminotransferase; minus strand). Cytogenetic location: 10q26.13.
Variant type: single nucleotide variant.
Coding change: c.1208T>C on transcript NM_000274.4 (MANE Select); coding-DNA position 1208, T replaced by C.
Protein change: p.Leu403Pro; replaces leucine 403 with proline.
Molecular consequence: missense variant.
Genome position (GRCh38, 1-based): chr10:124,398,054, A>G on the plus strand (T>C on the coding strand, the complement: OAT is on the minus strand). VCF-style: chr10-124398054-A-G. GRCh37 (hg19) VCF-style: chr10-126086623-A-G.
Other names: c.794T>C, p.Leu265Pro (NM_001171814.2); c.1208T>C, p.Leu403Pro (NM_001322965.2, NM_001322966.2, NM_001322967.2 and 3 more transcripts); c.887T>C, p.Leu296Pro (NM_001322971.2); c.608T>C, p.Leu203Pro (NM_001322974.2); c.1208T>C (NM_000274.3); short protein forms L403P, L203P, L265P, L296P.
Identifiers: ClinVar variation 1411429 (VCV001411429.8), dbSNP rs141737170, ClinGen allele CA5733294.
Genomic context (GRCh38, chr10:124,398,054, plus strand): 5'-TCCTCCTTGATCACCAGCGGAGGCGCAAACCTGATAATGTCGCCATGGGTTGGCTTGGCC[A>G]GAAGTCCATTATCTCGAAGTCGTAGACACACCTTCCAAGCATCCCAATCTAAAGAAAAAT-3'
Protein context (NP_000265.1, residues 393-413): VCLRLRDNGL[Leu403Pro]AKPTHGDIIR